The following is an entry in ClinVar:

NM_005655.4(KLF10):c.853G>A (p.Val285Ile)

Gene: KLF10 (KLF transcription factor 10; minus strand). Cytogenetic location: 8q22.3.
Variant type: single nucleotide variant.
Coding change: c.853G>A on transcript NM_005655.4 (MANE Select); coding-DNA position 853, G replaced by A.
Protein change: p.Val285Ile; replaces valine 285 with isoleucine.
Molecular consequence: missense variant.
Genome position (GRCh38, 1-based): chr8:102,651,479, C>T on the plus strand (G>A on the coding strand, the complement: KLF10 is on the minus strand). VCF-style: chr8-102651479-C-T. GRCh37 (hg19) VCF-style: chr8-103663707-C-T.
Other names: c.853G>A (NM_005655.2); c.820G>A, p.Val274Ile (NM_001032282.4); short protein forms V285I, V274I.
Identifiers: ClinVar variation 1432202 (VCV001432202.9), dbSNP rs754853764, ClinGen allele CA4833533.

ClinVar aggregate classification (germline): Uncertain significance. Review status: criteria provided, multiple submitters, no conflicts (2 of 4 stars). 2 submissions from 2 submitters: Uncertain significance (2). Last evaluated 2024-12-18.

Allele frequency attached by ClinVar (database versions not stated): gnomAD exomes 0.00001; ExAC 0.00002; TOPMed 0.00002; gnomAD 0.00003.
gnomAD v4.1: 18 of 1,613,796 alleles (0.0011%); highest among the groups gnomAD compares: Admixed American, 0.0017%; no homozygotes.

Submissions (2):

Labcorp Genetics (formerly Invitae), Labcorp
Classification: Uncertain significance. Last evaluated: 2024-12-18. Review status: criteria provided, single submitter. Criteria: Invitae Variant Classification Sherloc (09022015). Collection method: clinical testing. Allele origin: germline.
Comment: This sequence change replaces valine, which is neutral and non-polar, with isoleucine, which is neutral and non-polar, at codon 285 of the KLF10 protein (p.Val285Ile). This variant is present in population databases (rs754853764, gnomAD 0.002%). This variant has not been reported in the literature in individuals affected with KLF10-related conditions. ClinVar contains an entry for this variant (Variation ID: 1432202). An algorithm developed to predict the effect of missense changes on protein structure and function (PolyPhen-2) suggests that this variant is likely to be tolerated. In summary, the available evidence is currently insufficient to determine the role of this variant in disease. Therefore, it has been classified as a Variant of Uncertain Significance.

Ambry Genetics
Classification: Uncertain significance. Last evaluated: 2024-06-16. Review status: criteria provided, single submitter. Criteria: Ambry Variant Classification Scheme 2023. Collection method: clinical testing. Allele origin: germline.